The following is an entry in ClinVar:

NM_001849.4(COL6A2):c.1264G>A (p.Glu422Lys)

Gene: COL6A2 (collagen type VI alpha 2 chain; plus strand). Cytogenetic location: 21q22.3.
Variant type: single nucleotide variant.
Coding change: c.1264G>A on transcript NM_001849.4 (MANE Select); coding-DNA position 1264, G replaced by A.
Protein change: p.Glu422Lys; replaces glutamic acid 422 with lysine.
Molecular consequence: missense variant.
Genome position (GRCh38, 1-based): chr21:46,119,114, G>A. VCF-style: chr21-46119114-G-A. GRCh37 (hg19) VCF-style: chr21-47539028-G-A.
Other names: c.1264G>A, p.Glu422Lys (NM_058174.3, NM_058175.3); short protein forms E422K.
Identifiers: ClinVar variation 973040 (VCV000973040.9), dbSNP rs200167715, ClinGen allele CA10071788.

ClinVar aggregate classification (germline): Conflicting classifications of pathogenicity. Review status: criteria provided, conflicting classifications (1 of 4 stars). 2 submissions from 2 submitters: Uncertain significance (1); Likely benign (1). Last evaluated 2025-10-02.

Conditions:
Ullrich congenital muscular dystrophy 1A. Also called: Ullrich congenital muscular dystrophy 1; Intermediate COL6-RD. Identifiers: Orphanet 75840, MedGen C0410179, MONDO:0009681, OMIM 254090.
Bethlem myopathy 1A. Also called: Bethlem Muscular Dystrophy; Bethlem myopathy 1; MYOPATHY, BENIGN CONGENITAL, WITH CONTRACTURES. Identifiers: Orphanet 610, MedGen CN029274, MONDO:0024530, OMIM 158810.

Allele frequency attached by ClinVar (database versions not stated): gnomAD exomes 0.00001 and 0.00002; ExAC 0.00002; gnomAD 0.00002 and 0.00003; TOPMed 0.00002; 1000 Genomes Project 0.00020; 1000 Genomes Project 30x 0.00031.
gnomAD v4.1: 14 of 1,610,150 alleles (0.00087%); highest among the groups gnomAD compares: South Asian, 0.0044%; no homozygotes.

Submissions (2):

Labcorp Genetics (formerly Invitae), Labcorp
Classification: Likely benign for Bethlem myopathy 1A. Last evaluated: 2025-10-02. Review status: criteria provided, single submitter. Criteria: Invitae Variant Classification Sherloc (09022015). Collection method: clinical testing. Allele origin: germline.

GeneDx
Classification: Uncertain significance. Last evaluated: 2020-09-03. Review status: criteria provided, single submitter. Criteria: GeneDx Variant Classification Process June 2021. Collection method: clinical testing. Allele origin: germline. Affected: yes.
Comment: In silico analysis supports that this missense variant does not alter protein structure/function; Has not been previously published as pathogenic or benign to our knowledge